The following is an entry in ClinVar:

ClinVar aggregate classification (germline): Uncertain significance. Review status: criteria provided, multiple submitters, no conflicts (2 of 4 stars). 4 submissions from 4 submitters: Uncertain significance (4). Last evaluated 2026-10-01.

Conditions:
Neutropenia, severe congenital, 2, autosomal dominant. Identifiers: Orphanet 486, MedGen C2751288, MONDO:0013139, OMIM 613107.

Allele frequency attached by ClinVar (database versions not stated): gnomAD 0.00003; TOPMed 0.00002; gnomAD exomes 0.00001.
gnomAD v4.1: 24 of 1,610,146 alleles (0.0015%); highest among the groups gnomAD compares: Middle Eastern, 0.067%; no homozygotes.

Submissions (4):

St. Jude Molecular Pathology, St. Jude Children's Research Hospital
Classification: Uncertain significance for Neutropenia, severe congenital, 2, autosomal dominant. Last evaluated: 2026-10-01. Review status: criteria provided, single submitter. Criteria: St. Jude Assertion Criteria 2020. Collection method: clinical testing. Allele origin: germline.
Comment: The GFI1 c.169C>T p.(Pro57Ser) missense change has a maximum subpopulation frequency of 0.005% in gnomAD v2.1.1. The in silico tool REVEL predicts a benign ef fect on protein function, but to our knowledge this prediction has not been confirmed by functional studies. To our knowledge, this variant has not been reported in the literature in individuals with severe congenital neutropenia. In summary, the evidenc e currently available is insufficient to determine the clinical significance of this variant. It has therefore been classified as of uncertain significance.

Ambry Genetics
Classification: Uncertain significance. Last evaluated: 2025-08-24. Review status: criteria provided, single submitter. Criteria: Ambry Variant Classification Scheme 2023. Collection method: clinical testing. Allele origin: germline.

Labcorp Genetics (formerly Invitae), Labcorp
Classification: Uncertain significance for Neutropenia, severe congenital, 2, autosomal dominant. Last evaluated: 2025-03-10. Review status: criteria provided, single submitter. Criteria: Invitae Variant Classification Sherloc (09022015). Collection method: clinical testing. Allele origin: germline.
Comment: This sequence change replaces proline, which is neutral and non-polar, with serine, which is neutral and polar, at codon 57 of the GFI1 protein (p.Pro57Ser). This variant is present in population databases (no rsID available, gnomAD 0.005%). This variant has not been reported in the literature in individuals affected with GFI1-related conditions. ClinVar contains an entry for this variant (Variation ID: 2417274). Invitae Evidence Modeling of protein sequence and biophysical properties (such as structural, functional, and spatial information, amino acid conservation, physicochemical variation, residue mobility, and thermodynamic stability) indicates that this missense variant is not expected to disrupt GFI1 protein function with a negative predictive value of 80%. In summary, the available evidence is currently insufficient to determine the role of this variant in disease. Therefore, it has been classified as a Variant of Uncertain Significance.

Blueprint Genetics
Classification: Uncertain significance. Last evaluated: 2024-04-08. Review status: criteria provided, single submitter. Criteria: ACMG Guidelines, 2015. Collection method: clinical testing. Allele origin: germline.

NM_005263.5(GFI1):c.169C>T (p.Pro57Ser)

Gene: GFI1 (growth factor independent 1 transcriptional repressor; minus strand). Cytogenetic location: 1p22.1.
Variant type: single nucleotide variant.
Coding change: c.169C>T on transcript NM_005263.5 (MANE Select); coding-DNA position 169, C replaced by T.
Protein change: p.Pro57Ser; replaces proline 57 with serine.
Molecular consequence: missense variant.
Genome position (GRCh38, 1-based): chr1:92,482,993, G>A on the plus strand (C>T on the coding strand, the complement: GFI1 is on the minus strand). VCF-style: chr1-92482993-G-A. GRCh37 (hg19) VCF-style: chr1-92948550-G-A.
Other names: c.169C>T, p.Pro57Ser (NM_001127215.3, NM_001127216.3); short protein forms P57S.
Identifiers: ClinVar variation 2417274 (VCV002417274.10), dbSNP rs1024012420, ClinGen allele CA27090584.